The following is an entry in ClinVar:

ClinVar aggregate classification (germline): Benign. Review status: criteria provided, multiple submitters, no conflicts (2 of 4 stars). 3 submissions from 3 submitters: Benign (2). 1 of the submissions does not count toward it. Last evaluated 2016-03-28.

Conditions:
EVI2A-related disorder. Also called: EVI2A-related condition.

Allele frequency attached by ClinVar (database versions not stated): 1000 Genomes Project 0.59185; 1000 Genomes Project 30x 0.59572; TOPMed 0.63184; ESP Exome Variant Server 0.66608.
gnomAD v4.1: 984,265 of 1,589,844 alleles (62%); highest among the groups gnomAD compares: African/African-American, 72%; 307,676 homozygotes.

Submissions (3):

Laboratory for Molecular Medicine, Mass General Brigham Personalized Medicine
Classification: Benign. Last evaluated: 2016-03-28. Review status: criteria provided, single submitter. Criteria: LMM Criteria. Collection method: clinical testing. Allele origin: germline.
Comment: Variant identified in a genome or exome case(s) and assessed due to predicted null impact of the variant or pathogenic assertions in the literature or databases. Disclaimer: This variant has not undergone full assessment. The following are preliminary notes: MAF

Breakthrough Genomics
Classification: Benign. Review status: criteria provided, single submitter. Criteria: ACMG Guidelines, 2015. Collection method: not provided. Allele origin: germline. Inheritance: Autosomal dominant inheritance. Affected: yes.

PreventionGenetics, part of Exact Sciences
Classification: Benign for EVI2A-related condition. Last evaluated: 2019-10-17. Review status: no assertion criteria provided. Collection method: clinical testing. Allele origin: germline. Not counted in ClinVar's aggregate classification.
Comment: This variant is classified as benign based on ACMG/AMP sequence variant interpretation guidelines (Richards et al. 2015 PMID: 25741868, with internal and published modifications).

NM_014210.4(EVI2A):c.-1C>T

Genes: EVI2A (ecotropic viral integration site 2A; minus strand), NF1 (neurofibromin 1; plus strand). Cytogenetic location: 17q11.2.
Variant type: single nucleotide variant.
Coding change: c.-1C>T on transcript NM_014210.4 (MANE Select); 1 bases upstream of the start codon, C replaced by T.
Molecular consequence: 5 prime UTR variant. On other transcripts: synonymous variant (1), intron variant (2).
Genome position (GRCh38, 1-based): chr17:31,319,014, G>A on the plus strand (C>T on the coding strand, the complement: EVI2A is on the minus strand). VCF-style: chr17-31319014-G-A. GRCh37 (hg19) VCF-style: chr17-29646032-G-A.
Other names: c.69C>T, p.Ser23= (NM_001003927.3); c.4836-6806G>A (NM_001042492.3); c.4773-6806G>A (NM_000267.4).
Identifiers: ClinVar variation 403230 (VCV000403230.7), dbSNP rs1129506, ClinGen allele CA8487053.